The following is an entry in ClinVar:

NM_020184.4(CNNM4):c.*560T>C

Gene: CNNM4 (cyclin and CBS domain divalent metal cation transport mediator 4; plus strand). Cytogenetic location: 2q11.2.
Variant type: single nucleotide variant.
Coding change: c.*560T>C on transcript NM_020184.4 (MANE Select); 560 bases downstream of the stop codon, T replaced by C.
Molecular consequence: 3 prime UTR variant.
Genome position (GRCh38, 1-based): chr2:96,810,077, T>C. VCF-style: chr2-96810077-T-C. GRCh37 (hg19) VCF-style: chr2-97475814-T-C.
Identifiers: ClinVar variation 337601 (VCV000337601.5), dbSNP rs74411759, ClinGen allele CA10616466.

ClinVar aggregate classification (germline): Benign (1 of 4 stars; one submission).

Conditions:
Jalili syndrome. Also called: CONE-ROD DYSTROPHY AND AMELOGENESIS IMPERFECTA. Identifiers: Orphanet 1873, MedGen C3495589, MONDO:0009007, OMIM 217080.

Allele frequency attached by ClinVar (database versions not stated): 1000 Genomes Project 30x 0.00453; gnomAD 0.00092 and 0.00070; 1000 Genomes Project 0.00499; TOPMed 0.00102.

Submission:

Illumina Laboratory Services, Illumina
Classification: Benign for Jalili syndrome. Last evaluated: 2018-01-12. Review status: criteria provided, single submitter. Criteria: ICSL Variant Classification Criteria 13 December 2019. Collection method: clinical testing. Allele origin: germline.
Comment: This variant was observed in the ICSL laboratory as part of a predisposition screen in an ostensibly healthy population. It had not been previously curated by ICSL or reported in the Human Gene Mutation Database (HGMD: prior to June 1st, 2018), and was therefore a candidate for classification through an automated scoring system. Utilizing variant allele frequency, disease prevalence and penetrance estimates, and inheritance mode, an automated score was calculated to assess if this variant is too frequent to cause the disease. Based on the score and internal cut-off values, a variant classified as benign is not then subjected to further curation. The score for this variant resulted in a classification of benign for this disease.